The following is an entry in ClinVar:

ClinVar aggregate classification (germline): Pathogenic (1 of 4 stars; one submission).

Submission:

Labcorp Genetics (formerly Invitae), Labcorp
Classification: Pathogenic. Last evaluated: 2023-09-05. Review status: criteria provided, single submitter. Criteria: Invitae Variant Classification Sherloc (09022015). Collection method: clinical testing. Allele origin: germline.
Comment: This variant is not present in population databases (gnomAD no frequency). This sequence change creates a premature translational stop signal (p.Thr1762Hisfs*11) in the KAT6A gene. While this is not anticipated to result in nonsense mediated decay, it is expected to disrupt the last 243 amino acid(s) of the KAT6A protein. This premature translational stop signal has been observed in individual(s) with clinical features of KAT6A-related conditions (Invitae). In at least one individual the variant was observed to be de novo. For these reasons, this variant has been classified as Pathogenic. ClinVar contains an entry for this variant (Variation ID: 2122759).

NM_006766.5(KAT6A):c.5282_5283insT (p.Thr1762fs)

Gene: KAT6A (lysine acetyltransferase 6A; minus strand). Cytogenetic location: 8p11.21.
Variant type: Insertion.
Coding change: c.5282_5283insT on transcript NM_006766.5 (MANE Select); coding-DNA positions 5282 to 5283, T inserted.
Protein change: p.Thr1762fs; shifts the reading frame from threonine 1762.
Molecular consequence: frameshift variant.
Genome position: GRCh38 VCF-style: chr8-41932937-G-GA. GRCh37 (hg19) VCF-style: chr8-41790455-G-GA.
Other names: short protein forms T1762fs.
Identifiers: ClinVar variation 2122759 (VCV002122759.4), dbSNP rs2486752178, ClinGen allele CA2580078302.